The following is an entry in ClinVar:

GRCh38/hg38 4p16.3(chr4:336191-2213205)x1

Genes: ASPNAT (aspartate N-acetyltransferase; plus strand), ATP5ME (ATP synthase membrane subunit e; minus strand), CPLX1 (complexin 1; minus strand), CPLX1-AS1 (CPLX1 antisense RNA 1; plus strand), CRIPAK (cysteine rich PAK1 inhibitor; plus strand) and 131 more. Cytogenetic location: 4p16.3.
Variant type: copy number loss.
Change: copy number 1 (one copy instead of two) of chr4:336,191-2,213,205 (1.88 Mb, GRCh38 coordinates, 1-based), cytogenetic band 4p16.3.
Identifiers: ClinVar variation 59419 (VCV000059419.2).

ClinVar aggregate classification (germline): Pathogenic (1 of 4 stars; one submission).

Submission:

ISCA Site 6
Classification: Pathogenic. Last evaluated: 2011-08-12. Review status: criteria provided, single submitter. Criteria: Kaminsky et al. (Genet Med. 2011). Collection method: clinical testing. Allele origin: unknown. Affected: yes. Observed: 1 variant allele.
Comment: Copy number variation identified through the course of routine clinical cytogenomic testing in postnatal populations. Clinical assertions have been curated as described in Kaminsky et al. 2011.